The following is an entry in ClinVar:

ClinVar aggregate classification (germline): Uncertain significance (1 of 4 stars; one submission).

Conditions:
TH-deficient dopa-responsive dystonia. Also called: Tyrosine Hydroxylase-Deficient Dopa-Responsive Dystonia; Segawa syndrome, autosomal recessive; DYT-TH. Identifiers: Orphanet 101150, MedGen C2673535, MONDO:0011551, OMIM 605407.

Submission:

Neuberg Centre For Genomic Medicine, NCGM
Classification: Uncertain significance for TH-deficient dopa-responsive dystonia. Review status: criteria provided, single submitter. Criteria: ACMG Guidelines, 2015. Collection method: clinical testing. Allele origin: germline. Inheritance: Autosomal recessive inheritance. Affected: yes.
Comment: The missense variant c.920T>C (p.Val307Ala) in TH gene has not been reported previously as a pathogenic variant nor as a benign variant, to our knowledge. The p.Val307Ala variant is novel (not in any individuals) in gnomAD Exomes and 1000 Genomes. The amino acid Val at position 307 is changed to a Ala changing protein sequence and it might alter its composition and physico-chemical properties. The amino acid change p.Val307Ala in TH is predicted as conserved by GERP++ and PhyloP across 100 vertebrates. For these reasons, this variant has been classified as Uncertain Significance .

NM_000360.4(TH):c.920T>C (p.Val307Ala)

Gene: TH (tyrosine hydroxylase; minus strand). Cytogenetic location: 11p15.5.
Variant type: single nucleotide variant.
Coding change: c.920T>C on transcript NM_000360.4 (MANE Select); coding-DNA position 920, T replaced by C.
Protein change: p.Val307Ala; replaces valine 307 with alanine.
Molecular consequence: missense variant.
Genome position (GRCh38, 1-based): chr11:2,166,690, A>G on the plus strand (T>C on the coding strand, the complement: TH is on the minus strand). VCF-style: chr11-2166690-A-G. GRCh37 (hg19) VCF-style: chr11-2187920-A-G.
Other names: c.1013T>C, p.Val338Ala (NM_199292.3); c.1001T>C, p.Val334Ala (NM_199293.3); short protein forms V307A, V338A, V334A.
Identifiers: ClinVar variation 2585563 (VCV002585563.1), dbSNP rs2495803118, ClinGen allele CA379126214.
Genomic context (GRCh38, chr11:2,166,690, plus strand): 5'-CACGGCTCAGGGGAGTGCATGGGCGAGGACGCGTGGCGGATATACTGGGTGCACTGGAAC[A>G]CGCGGAAGGCCAGGCTGGCCAGGAAGTCCCGGGCGGACAGCAGGCCGGCCACAGGCCGCA-3'
Protein context (NP_000351.2, residues 297-317): RDFLASLAFR[Val307Ala]FQCTQYIRHA